The following is an entry in ClinVar:

NM_001458.5(FLNC):c.774del (p.Lys259fs)

Gene: FLNC (filamin C; plus strand). Cytogenetic location: 7q32.1.
Variant type: Deletion.
Coding change: c.774del on transcript NM_001458.5 (MANE Select); coding-DNA position 774, one base deleted (C; older notation c.774delC).
Protein change: p.Lys259fs; shifts the reading frame from lysine 259.
Molecular consequence: frameshift variant.
Genome position (GRCh38, 1-based): chr7:128,837,472, C deleted; the last of 4 consecutive C bases (chr7:128,837,469-128,837,472); deleting any one gives the same sequence. VCF-style (leftmost placement, unchanged base first): chr7-128837468-TC-T. GRCh37 (hg19) VCF-style: chr7-128477522-TC-T.
Other names: c.774delC (NM_001458.4); c.774del, p.Lys259fs (NM_001127487.2); short protein forms K259fs.
Identifiers: ClinVar variation 478133 (VCV000478133.9), dbSNP rs1554397506, ClinGen allele CA658657715.

ClinVar aggregate classification (germline): Pathogenic (1 of 4 stars; one submission).

Conditions:
Hypertrophic cardiomyopathy 26. Also called: Cardiomyopathy, familial hypertrophic, 26. Identifiers: Orphanet 75249, MedGen C4310749, MONDO:0014883, OMIM 617047.
Distal myopathy with posterior leg and anterior hand involvement. Also called: WILLIAMS DISTAL MYOPATHY. Identifiers: Orphanet 63273, MedGen C3279722, MONDO:0013550, OMIM 614065.
Myofibrillar myopathy 5. Also called: Filaminopathy (type); FILAMINOPATHY, AUTOSOMAL DOMINANT. Identifiers: Orphanet 171445, MedGen C1836050, MONDO:0012289, OMIM 609524.

Submission:

Labcorp Genetics (formerly Invitae), Labcorp
Classification: Pathogenic for Distal myopathy with posterior leg and anterior hand involvement; Myofibrillar myopathy 5; Hypertrophic cardiomyopathy 26. Last evaluated: 2024-12-12. Review status: criteria provided, single submitter. Criteria: Invitae Variant Classification Sherloc (09022015). Collection method: clinical testing. Allele origin: germline.
Comment: This sequence change creates a premature translational stop signal (p.Lys259Argfs*15) in the FLNC gene. It is expected to result in an absent or disrupted protein product. Loss-of-function variants in FLNC are known to be pathogenic (PMID: 27908349). This variant is not present in population databases (gnomAD no frequency). This variant has not been reported in the literature in individuals affected with FLNC-related conditions. ClinVar contains an entry for this variant (Variation ID: 478133). For these reasons, this variant has been classified as Pathogenic.

Literature cited by the submitters: PubMed 27908349.